The following is an entry in ClinVar:

NM_001199563.2(POPDC1):c.9T>C (p.Tyr3=)

Gene: POPDC1 (popeye domain cAMP effector 1; minus strand). Cytogenetic location: 6q21.
Variant type: single nucleotide variant.
Coding change: c.9T>C on transcript NM_001199563.2 (MANE Select); coding-DNA position 9, T replaced by C.
Protein change: p.Tyr3=; no amino-acid change (tyrosine 3 retained).
Molecular consequence: synonymous variant.
Genome position (GRCh38, 1-based): chr6:105,133,569, A>G on the plus strand (T>C on the coding strand, the complement: POPDC1 is on the minus strand). VCF-style: chr6-105133569-A-G. GRCh37 (hg19) VCF-style: chr6-105581444-A-G.
Other names: c.9T>C, p.Tyr3= (NM_007073.4, NM_147147.4).
Identifiers: ClinVar variation 791399 (VCV000791399.30), dbSNP rs144286946, ClinGen allele CA3941171.

ClinVar aggregate classification (germline): Benign/Likely benign. Review status: criteria provided, multiple submitters, no conflicts (2 of 4 stars). 4 submissions from 4 submitters: Benign (1); Likely benign (2). 1 of the submissions does not count toward it. Last evaluated 2026-08-01.

Conditions:
BVES-related disorder. Also called: BVES-related condition.

Allele frequency attached by ClinVar (database versions not stated): gnomAD 0.00133 and 0.00161; 1000 Genomes Project 0.00160; ESP Exome Variant Server 0.00169; TOPMed 0.00181; 1000 Genomes Project 30x 0.00187; gnomAD exomes 0.00231 and 0.00245; ExAC 0.00244.
gnomAD v4.1: 3,565 of 1,572,856 alleles (0.23%); highest among the groups gnomAD compares: South Asian, 0.81%; 14 homozygotes.

Submissions (4):

CeGaT Center for Human Genetics Tuebingen
Classification: Likely benign. Last evaluated: 2026-08-01. Review status: criteria provided, single submitter. Criteria: CeGaT Center For Human Genetics Tuebingen Variant Classification Criteria Version 2. Collection method: clinical testing. Allele origin: germline. Affected: yes. Observed: 11 variant alleles.
Comment: POPDC1: BP4, BP7, BS2

GeneDx
Classification: Likely benign. Last evaluated: 2020-10-21. Review status: criteria provided, single submitter. Criteria: GeneDx Variant Classification Process June 2021. Collection method: clinical testing. Allele origin: germline. Affected: yes.

Labcorp Genetics (formerly Invitae), Labcorp
Classification: Benign. Last evaluated: 2019-12-31. Review status: criteria provided, single submitter. Criteria: Invitae Variant Classification Sherloc (09022015). Collection method: clinical testing. Allele origin: germline.

PreventionGenetics, part of Exact Sciences
Classification: Likely benign for BVES-related condition. Last evaluated: 2019-10-29. Review status: no assertion criteria provided. Collection method: clinical testing. Allele origin: germline. Not counted in ClinVar's aggregate classification.
Comment: This variant is classified as likely benign based on ACMG/AMP sequence variant interpretation guidelines (Richards et al. 2015 PMID: 25741868, with internal and published modifications).